The following is an entry in ClinVar:

NM_053013.4(ENO3):c.1041C>T (p.Ile347=)

Gene: ENO3 (enolase 3; plus strand). Cytogenetic location: 17p13.2.
Variant type: single nucleotide variant.
Coding change: c.1041C>T on transcript NM_053013.4 (MANE Select); coding-DNA position 1041, C replaced by T.
Protein change: p.Ile347=; no amino-acid change (isoleucine 347 retained).
Molecular consequence: synonymous variant.
Genome position (GRCh38, 1-based): chr17:4,956,117, C>T. VCF-style: chr17-4956117-C-T. GRCh37 (hg19) VCF-style: chr17-4859412-C-T.
Other names: c.912C>T, p.Ile304= (NM_001193503.2); c.1041C>T, p.Ile347= (NM_001976.5).
Identifiers: ClinVar variation 516529 (VCV000516529.15), dbSNP rs114208569, ClinGen allele CA8316511.

ClinVar aggregate classification (germline): Benign. Review status: criteria provided, multiple submitters, no conflicts (2 of 4 stars). 4 submissions from 4 submitters: Benign (3). 1 of the submissions does not count toward it. Last evaluated 2026-02-03.

Conditions:
Glycogen storage disease due to muscle beta-enolase deficiency (GSD13). Also called: Glycogen Storage Disease Type XIII; ENOLASE 3 DEFICIENCY; ENOLASE-BETA DEFICIENCY; GSD XIII. Identifiers: Orphanet 99849, MedGen C2752027, MONDO:0013046, OMIM 612932.

Allele frequency attached by ClinVar (database versions not stated): gnomAD exomes 0.00187; ExAC 0.00218; 1000 Genomes Project 0.00619; 1000 Genomes Project 30x 0.00687; gnomAD 0.00730 and 0.00794; TOPMed 0.00780; ESP Exome Variant Server 0.00830.
gnomAD v4.1: 2,265 of 1,613,986 alleles (0.14%); highest among the groups gnomAD compares: African/African-American, 2.5%; 28 homozygotes.

Submissions (4):

Labcorp Genetics (formerly Invitae), Labcorp
Classification: Benign for Glycogen storage disease due to muscle beta-enolase deficiency. Last evaluated: 2026-02-03. Review status: criteria provided, single submitter. Criteria: Invitae Variant Classification Sherloc (09022015). Collection method: clinical testing. Allele origin: germline.

GeneDx
Classification: Benign. Last evaluated: 2017-04-07. Review status: criteria provided, single submitter. Criteria: GeneDx Variant Classification (06012015). Collection method: clinical testing. Allele origin: germline. Affected: yes.
Comment: This variant is considered likely benign or benign based on one or more of the following criteria: it is a conservative change, it occurs at a poorly conserved position in the protein, it is predicted to be benign by multiple in silico algorithms, and/or has population frequency not consistent with disease.

Breakthrough Genomics
Classification: Benign. Review status: criteria provided, single submitter. Criteria: ACMG Guidelines, 2015. Collection method: not provided. Allele origin: germline. Inheritance: Autosomal recessive inheritance. Affected: yes.

Mayo Clinic Laboratories, Mayo Clinic
Classification: Benign. Last evaluated: 2017-05-17. Review status: no assertion criteria provided. Collection method: clinical testing. Allele origin: unknown. Not counted in ClinVar's aggregate classification.